The following is an entry in ClinVar:

NM_000277.3(PAH):c.1304A>T (p.Asp435Val)

Gene: PAH (phenylalanine hydroxylase; minus strand). Cytogenetic location: 12q23.2.
Variant type: single nucleotide variant.
Coding change: c.1304A>T on transcript NM_000277.3 (MANE Select); coding-DNA position 1304, A replaced by T.
Protein change: p.Asp435Val; replaces aspartic acid 435 with valine.
Molecular consequence: missense variant.
Genome position (GRCh38, 1-based): chr12:102,840,411, T>A on the plus strand (A>T on the coding strand, the complement: PAH is on the minus strand). VCF-style: chr12-102840411-T-A. GRCh37 (hg19) VCF-style: chr12-103234189-T-A.
Other names: c.1304A>T, p.Asp435Val (NM_001354304.2); short protein forms D435V.
Identifiers: ClinVar variation 625291 (VCV000625291.12), dbSNP rs1592945394, ClinGen allele CA386492936.

ClinVar aggregate classification (germline): Likely pathogenic. Review status: reviewed by expert panel (3 of 4 stars). 3 submissions from 3 submitters: Likely pathogenic (1). 2 of the submissions do not count toward it. Last evaluated 2020-04-10.

Conditions:
Phenylketonuria (PKU). Also called: OLIGOPHRENIA PHENYLPYRUVICA; Phenylketonurias; FOLLING DISEASE; Phenylketonuria (PKU). Identifiers: Orphanet 716, MedGen C0031485, MONDO:0009861, OMIM 261600. Disease mechanism: loss of function.

Allele frequency attached by ClinVar (database versions not stated): gnomAD exomes below 0.00001.
gnomAD v4.1: 1 of 1,611,428 alleles (0.000062%); highest among the groups gnomAD compares: Non-Finnish European, 0.000085%; no homozygotes.

Submissions (3):

ClinGen PAH Variant Curation Expert Panel
Classification: Likely pathogenic for Phenylketonuria. Last evaluated: 2020-04-10. Review status: reviewed by expert panel. Criteria: ClinGen PAH ACMG Specifications v1. Collection method: curation. Allele origin: germline. Inheritance: Autosomal recessive inheritance.
Comment: This variant was detected with p.Ala434Asp (Likely pathogenic in ClinVar) (PM3; PMID: 31355225). The variant is absent from population databases (PM2). Computational evidence is conflicting. In summary, this variant meets criteria to be classified as likely pathogenic for PAH. PAH-specific ACMG/AMP criteria applied: PM2, PM3, PP4_Moderate.

Labcorp Genetics (formerly Invitae), Labcorp
Classification: Likely pathogenic for Phenylketonuria. Last evaluated: 2021-12-02. Review status: criteria provided, single submitter. Criteria: Invitae Variant Classification Sherloc (09022015). Collection method: clinical testing. Allele origin: germline. Not counted in ClinVar's aggregate classification.
Comment: In summary, the currently available evidence indicates that the variant is pathogenic, but additional data are needed to prove that conclusively. Therefore, this variant has been classified as Likely Pathogenic. Advanced modeling of protein sequence and biophysical properties (such as structural, functional, and spatial information, amino acid conservation, physicochemical variation, residue mobility, and thermodynamic stability) performed at Invitae indicates that this missense variant is expected to disrupt PAH protein function. ClinVar contains an entry for this variant (Variation ID: 625291). This missense change has been observed in individual(s) with clinical features of PAH-related conditions (PMID: 31332730, 31355225, 32668217). This variant is not present in population databases (gnomAD no frequency). This sequence change replaces aspartic acid, which is acidic and polar, with valine, which is neutral and non-polar, at codon 435 of the PAH protein (p.Asp435Val).

Center for Molecular Medicine, Children’s Hospital of Fudan University
Classification: Pathogenic for Phenylketonuria. Last evaluated: 2019-03-08. Review status: no assertion criteria provided. Collection method: clinical testing. Allele origin: de novo. Affected: yes. Not counted in ClinVar's aggregate classification.

Literature cited by the submitters: PubMed 31355225 (cited by ClinGen PAH Variant Curation Expert Panel and Labcorp Genetics (formerly Invitae), Labcorp); PubMed 31332730 (cited by ClinGen PAH Variant Curation Expert Panel and Labcorp Genetics (formerly Invitae), Labcorp); PubMed 32668217 (cited by Labcorp Genetics (formerly Invitae), Labcorp).